The following is an entry in ClinVar:

ClinVar aggregate classification (germline): Uncertain significance. Review status: criteria provided, multiple submitters, no conflicts (2 of 4 stars). 2 submissions from 2 submitters: Uncertain significance (2). Last evaluated 2023-05-02.

Conditions:
Kabuki syndrome 2 (KABUK2). Also called: KDM6A-Related Kabuki Syndrome. Identifiers: Orphanet 2322, MedGen C3275495, MONDO:0010465, OMIM 300867.

Allele frequency attached by ClinVar (database versions not stated): gnomAD exomes below 0.00001.
gnomAD v4.1: 1 of 1,211,001 alleles (0.000083%); highest among the groups gnomAD compares: Non-Finnish European, 0.00011%; no homozygotes.

Submissions (2):

GeneDx
Classification: Uncertain significance. Last evaluated: 2023-05-02. Review status: criteria provided, single submitter. Criteria: GeneDx Variant Classification Process June 2021. Collection method: clinical testing. Allele origin: germline. Affected: yes.
Comment: Not observed at significant frequency in large population cohorts (gnomAD); In silico analysis supports that this missense variant does not alter protein structure/function; Has not been previously published as pathogenic or benign to our knowledge

Labcorp Genetics (formerly Invitae), Labcorp
Classification: Uncertain significance for Kabuki syndrome 2. Last evaluated: 2022-11-24. Review status: criteria provided, single submitter. Criteria: Invitae Variant Classification Sherloc (09022015). Collection method: clinical testing. Allele origin: germline.
Comment: This sequence change replaces valine, which is neutral and non-polar, with leucine, which is neutral and non-polar, at codon 1374 of the KDM6A protein (p.Val1374Leu). This variant is not present in population databases (gnomAD no frequency). This variant has not been reported in the literature in individuals affected with KDM6A-related conditions. Advanced modeling of protein sequence and biophysical properties (such as structural, functional, and spatial information, amino acid conservation, physicochemical variation, residue mobility, and thermodynamic stability) performed at Invitae indicates that this missense variant is not expected to disrupt KDM6A protein function. In summary, the available evidence is currently insufficient to determine the role of this variant in disease. Therefore, it has been classified as a Variant of Uncertain Significance.

NM_001291415.2(KDM6A):c.4276G>T (p.Val1426Leu)

Gene: KDM6A (lysine demethylase 6A; plus strand). Cytogenetic location: Xp11.3.
Variant type: single nucleotide variant.
Coding change: c.4276G>T on transcript NM_001291415.2 (MANE Select); coding-DNA position 4276, G replaced by T.
Protein change: p.Val1426Leu; replaces valine 1426 with leucine.
Molecular consequence: missense variant. On other transcripts: non-coding transcript variant (1).
Genome position (GRCh38, 1-based): chrX:45,110,193, G>T. VCF-style: chrX-45110193-G-T. GRCh37 (hg19) VCF-style: chrX-44969438-G-T.
Other names: c.3985G>T, p.Val1329Leu (NM_001291417.2); c.3883G>T, p.Val1295Leu (NM_001291418.2); c.3232G>T, p.Val1078Leu (NM_001291421.2); c.4018G>T, p.Val1340Leu (NM_001410742.1); c.4384G>T, p.Val1462Leu (NM_001419809.1); c.4282G>T, p.Val1428Leu (NM_001419810.1); c.4249G>T, p.Val1417Leu (NM_001419811.1); c.4228G>T, p.Val1410Leu (NM_001419812.1); and 5 more; short protein forms V1078L, V1295L, V1329L, V1331L, V1340L, V1374L, V1376L, V1381L.
Identifiers: ClinVar variation 2663402 (VCV002663402.4), dbSNP rs2148306999, ClinGen allele CA412777416.